The following is an entry in ClinVar:

ClinVar aggregate classification (germline): Uncertain significance (1 of 4 stars; one submission).

Conditions:
Hereditary sensory neuropathy-deafness-dementia syndrome. Also called: HSN IE; Hereditary sensory neuropathy type IE; NEUROPATHY, HEREDITARY SENSORY, WITH HEARING LOSS AND DEMENTIA; Hereditary Sensory and Autonomic Neuropathy Type 1E (HSAN1E). Identifiers: Orphanet 456318, MedGen C3279885, MONDO:0013584, OMIM 614116.

Allele frequency attached by ClinVar (database versions not stated): gnomAD exomes 0.00001.
gnomAD v4.1: 12 of 1,603,760 alleles (0.00075%); highest among the groups gnomAD compares: Non-Finnish European, 0.001%; no homozygotes.

Submission:

Labcorp Genetics (formerly Invitae), Labcorp
Classification: Uncertain significance for Hereditary sensory neuropathy-deafness-dementia syndrome. Last evaluated: 2023-08-17. Review status: criteria provided, single submitter. Criteria: Invitae Variant Classification Sherloc (09022015). Collection method: clinical testing. Allele origin: germline.
Comment: This sequence change replaces leucine, which is neutral and non-polar, with phenylalanine, which is neutral and non-polar, at codon 1581 of the DNMT1 protein (p.Leu1581Phe). This variant is not present in population databases (gnomAD no frequency). This variant has not been reported in the literature in individuals affected with DNMT1-related conditions. ClinVar contains an entry for this variant (Variation ID: 568452). Advanced modeling of protein sequence and biophysical properties (such as structural, functional, and spatial information, amino acid conservation, physicochemical variation, residue mobility, and thermodynamic stability) performed at Invitae indicates that this missense variant is not expected to disrupt DNMT1 protein function. In summary, the available evidence is currently insufficient to determine the role of this variant in disease. Therefore, it has been classified as a Variant of Uncertain Significance.

NM_001130823.3(DNMT1):c.4741C>T (p.Leu1581Phe)

Genes: DNMT1 (DNA methyltransferase 1; minus strand), LOC126862853 (CDK7 strongly-dependent group 2 enhancer GRCh37_chr19:10246117-10247316; plus strand). Cytogenetic location: 19p13.2.
Variant type: single nucleotide variant.
Coding change: c.4741C>T on transcript NM_001130823.3 (MANE Select); coding-DNA position 4741, C replaced by T.
Protein change: p.Leu1581Phe; replaces leucine 1581 with phenylalanine.
Molecular consequence: missense variant.
Genome position (GRCh38, 1-based): chr19:10,135,768, G>A on the plus strand (C>T on the coding strand, the complement: DNMT1 is on the minus strand). VCF-style: chr19-10135768-G-A. GRCh37 (hg19) VCF-style: chr19-10246444-G-A.
Other names: c.4741C>T (LRG_362t1); c.4702C>T, p.Leu1568Phe (NM_001318730.2); c.4378C>T, p.Leu1460Phe (NM_001318731.2); c.4693C>T, p.Leu1565Phe (NM_001379.4); short protein forms L1581F, L1460F, L1568F, L1565F.
Identifiers: ClinVar variation 568452 (VCV000568452.11), dbSNP rs1568218491, ClinGen allele CA403967988.